The following is an entry in ClinVar:

NM_032737.4(LMNB2):c.1221C>A (p.Ser407Arg)

Gene: LMNB2 (lamin B2; minus strand). Cytogenetic location: 19p13.3.
Variant type: single nucleotide variant.
Coding change: c.1221C>A on transcript NM_032737.4 (MANE Select); coding-DNA position 1221, C replaced by A.
Protein change: p.Ser407Arg; replaces serine 407 with arginine.
Molecular consequence: missense variant.
Genome position (GRCh38, 1-based): chr19:2,434,087, G>T on the plus strand (C>A on the coding strand, the complement: LMNB2 is on the minus strand). VCF-style: chr19-2434087-G-T. GRCh37 (hg19) VCF-style: chr19-2434085-G-T.
Other names: c.1161C>A (NM_032737.2); short protein forms S407R.
Identifiers: ClinVar variation 475770 (VCV000475770.11), dbSNP rs766553520, ClinGen allele CA9067568.

ClinVar aggregate classification (germline): Uncertain significance. Review status: criteria provided, multiple submitters, no conflicts (2 of 4 stars). 2 submissions from 2 submitters: Uncertain significance (2). Last evaluated 2025-01-08.

Conditions:
Lipodystrophy, partial, acquired, susceptibility to (APLD). Also called: APLD, SUSCEPTIBILITY TO. Identifiers: MedGen C3887501, MONDO:0100476, OMIM 608709.
Progressive myoclonic epilepsy type 9. Identifiers: Orphanet 457265, MedGen C4225289, MONDO:0014685, OMIM 616540.

Allele frequency attached by ClinVar (database versions not stated): gnomAD 0.00001; TOPMed 0.00001.
gnomAD v4.1: 11 of 1,590,952 alleles (0.00069%); highest among the groups gnomAD compares: East Asian, 0.023%; no homozygotes.

Submissions (2):

Ambry Genetics
Classification: Uncertain significance. Last evaluated: 2025-01-08. Review status: criteria provided, single submitter. Criteria: Ambry Variant Classification Scheme 2023. Collection method: clinical testing. Allele origin: germline.

Labcorp Genetics (formerly Invitae), Labcorp
Classification: Uncertain significance for Progressive myoclonic epilepsy type 9; Lipodystrophy, partial, acquired, susceptibility to. Last evaluated: 2019-06-07. Review status: criteria provided, single submitter. Criteria: Invitae Variant Classification Sherloc (09022015). Collection method: clinical testing. Allele origin: germline.
Comment: In summary, this variant is a rare missense change with uncertain impact on protein function. There is no indication that it causes disease, but the available evidence is currently insufficient to prove that conclusively. Therefore, it has been classified as a Variant of Uncertain Significance. Algorithms developed to predict the effect of missense changes on protein structure and function (SIFT, PolyPhen-2, Align-GVGD) all suggest that this variant is likely to be disruptive, but these predictions have not been confirmed by published functional studies. This variant is present in population databases (rs766553520, ExAC 0.1%) but has not been reported in the literature in individuals with a LMNB2-related disease. This sequence change replaces serine with arginine at codon 407 of the LMNB2 protein (p.Ser407Arg). The serine residue is highly conserved and there is a moderate physicochemical difference between serine and arginine.